The following is an entry in ClinVar:

NM_000642.3(AGL):c.2279G>A (p.Ser760Asn)

Gene: AGL (amylo-alpha-1,6-glucosidase and 4-alpha-glucanotransferase; plus strand). Cytogenetic location: 1p21.2.
Variant type: single nucleotide variant.
Coding change: c.2279G>A on transcript NM_000642.3 (MANE Select); coding-DNA position 2279, G replaced by A.
Protein change: p.Ser760Asn; replaces serine 760 with asparagine.
Molecular consequence: missense variant.
Genome position (GRCh38, 1-based): chr1:99,881,662, G>A. VCF-style: chr1-99881662-G-A. GRCh37 (hg19) VCF-style: chr1-100347218-G-A.
Other names: c.2279G>A, p.Ser760Asn (NM_000028.3, NM_000643.3, NM_000644.3 and 2 more transcripts); c.2231G>A, p.Ser744Asn (NM_000646.3); c.2078G>A, p.Ser693Asn (NM_001425327.1); c.2075G>A, p.Ser692Asn (NM_001425328.1, NM_001425329.1); c.1901G>A, p.Ser634Asn (NM_001425332.1); short protein forms S760N, S744N, S634N, S692N, S693N.
Identifiers: ClinVar variation 935327 (VCV000935327.4), dbSNP rs1557764702, ClinGen allele CA341320004.

ClinVar aggregate classification (germline): Uncertain significance (1 of 4 stars; one submission).

Conditions:
Glycogen storage disease type III (GSD3). Also called: Cori disease; FORBES DISEASE. Identifiers: Orphanet 366, MedGen C0017922, MONDO:0009291, OMIM 232400.

Allele frequency attached by ClinVar (database versions not stated): gnomAD exomes below 0.00001.
gnomAD v4.1: 1 of 1,613,812 alleles (0.000062%); highest among the groups gnomAD compares: East Asian, 0.0022%; no homozygotes.

Submission:

Labcorp Genetics (formerly Invitae), Labcorp
Classification: Uncertain significance for Glycogen storage disease type III. Last evaluated: 2021-08-24. Review status: criteria provided, single submitter. Criteria: Invitae Variant Classification Sherloc (09022015). Collection method: clinical testing. Allele origin: germline.
Comment: This sequence change replaces serine with asparagine at codon 760 of the AGL protein (p.Ser760Asn). The serine residue is weakly conserved and there is a small physicochemical difference between serine and asparagine. This variant is not present in population databases (ExAC no frequency). This variant has not been reported in the literature in individuals affected with AGL-related conditions. Algorithms developed to predict the effect of missense changes on protein structure and function (SIFT, PolyPhen-2, Align-GVGD) all suggest that this variant is likely to be tolerated. In summary, the available evidence is currently insufficient to determine the role of this variant in disease. Therefore, it has been classified as a Variant of Uncertain Significance.